The following is an entry in ClinVar:

NM_001378457.1(DMXL2):c.8629A>G (p.Thr2877Ala)

Gene: DMXL2 (Dmx like 2; minus strand). Cytogenetic location: 15q21.2.
Variant type: single nucleotide variant.
Coding change: c.8629A>G on transcript NM_001378457.1 (MANE Select); coding-DNA position 8629, A replaced by G.
Protein change: p.Thr2877Ala; replaces threonine 2877 with alanine.
Molecular consequence: missense variant. On other transcripts: non-coding transcript variant (1).
Genome position (GRCh38, 1-based): chr15:51,453,617, T>C on the plus strand (A>G on the coding strand, the complement: DMXL2 is on the minus strand). VCF-style: chr15-51453617-T-C. GRCh37 (hg19) VCF-style: chr15-51745814-T-C.
Other names: c.8566A>G, p.Thr2856Ala (NM_001174116.3); c.6655A>G, p.Thr2219Ala (NM_001174117.3); c.8626A>G, p.Thr2876Ala (NM_001378458.1); c.8341A>G, p.Thr2781Ala (NM_001378459.1); c.6544A>G, p.Thr2182Ala (NM_001378460.1); c.8563A>G, p.Thr2855Ala (NM_015263.5); short protein forms T2876A, T2182A, T2781A, T2856A, T2877A, T2219A, T2855A.
Identifiers: ClinVar variation 2006697 (VCV002006697.1), dbSNP rs1039329505, ClinGen allele CA270577858.
Genomic context (GRCh38, chr15:51,453,617, plus strand): 5'-CATTGGAGTGTCCAGATGTGGCAACTAGACTTGAAGAGGTAATAAATGCAAAGTCACTTG[T>C]GGCTTTACTGTGGCACTGCCAACTCTACGAAAAACAAAGTGCAACTGATGTTATTTTACC-3'
Protein context (NP_001365386.1, residues 2867-2887): YMSWQCHSKA[Thr2877Ala]SDFAFITSSS

ClinVar aggregate classification (germline): Uncertain significance (1 of 4 stars; one submission).

Allele frequency attached by ClinVar (database versions not stated): gnomAD 0.00001; TOPMed 0.00004.
gnomAD v4.1: 2 of 1,613,708 alleles (0.00012%); highest among the groups gnomAD compares: African/African-American, 0.0027%; no homozygotes.

Submission:

Labcorp Genetics (formerly Invitae), Labcorp
Classification: Uncertain significance. Last evaluated: 2022-09-19. Review status: criteria provided, single submitter. Criteria: Invitae Variant Classification Sherloc (09022015). Collection method: clinical testing. Allele origin: germline.
Comment: This sequence change replaces threonine, which is neutral and polar, with alanine, which is neutral and non-polar, at codon 2856 of the DMXL2 protein (p.Thr2856Ala). The frequency data for this variant in the population databases is considered unreliable, as metrics indicate poor data quality at this position in the gnomAD database. This variant has not been reported in the literature in individuals affected with DMXL2-related conditions. Algorithms developed to predict the effect of missense changes on protein structure and function output the following: SIFT: "Tolerated"; PolyPhen-2: "Benign"; Align-GVGD: "Class C0". The alanine amino acid residue is found in multiple mammalian species, which suggests that this missense change does not adversely affect protein function. In summary, the available evidence is currently insufficient to determine the role of this variant in disease. Therefore, it has been classified as a Variant of Uncertain Significance.